The following is an entry in ClinVar:

ClinVar aggregate classification (germline): Likely benign. Review status: criteria provided, multiple submitters, no conflicts (2 of 4 stars). 5 submissions from 5 submitters: Likely benign (5). Last evaluated 2026-02-03.

Conditions:
Dilated cardiomyopathy 1G (CMD1G). Identifiers: Orphanet 154, MedGen C1858763, MONDO:0011400, OMIM 604145.
Autosomal recessive limb-girdle muscular dystrophy type 2J (LGMDR10). Also called: MUSCULAR DYSTROPHY, LIMB-GIRDLE, AUTOSOMAL RECESSIVE 10; Limb-girdle muscular dystrophy, type 2J. Identifiers: Orphanet 140922, MedGen C1837342, MONDO:0012127, OMIM 608807.
Cardiovascular phenotype. Identifiers: MedGen CN230736.

Allele frequency attached by ClinVar (database versions not stated): ExAC 0.00001; gnomAD 0.00001; gnomAD exomes 0.00001 and 0.00002; TOPMed 0.00002.

Submissions (5):

Labcorp Genetics (formerly Invitae), Labcorp
Classification: Likely benign for Dilated cardiomyopathy 1G; Autosomal recessive limb-girdle muscular dystrophy type 2J. Last evaluated: 2026-02-03. Review status: criteria provided, single submitter. Criteria: Invitae Variant Classification Sherloc (09022015). Collection method: clinical testing. Allele origin: germline.

Ambry Genetics
Classification: Likely benign for Cardiovascular phenotype. Last evaluated: 2024-11-18. Review status: criteria provided, single submitter. Criteria: Ambry Variant Classification Scheme 2023. Collection method: clinical testing. Allele origin: germline.

Women's Health and Genetics/Laboratory Corporation of America, LabCorp
Classification: Likely benign. Last evaluated: 2023-08-19. Review status: criteria provided, single submitter. Criteria: LabCorp Variant Classification Summary - May 2015. Collection method: clinical testing. Allele origin: germline.

CeGaT Center for Human Genetics Tuebingen
Classification: Likely benign. Last evaluated: 2023-07-01. Review status: criteria provided, single submitter. Criteria: CeGaT Center For Human Genetics Tuebingen Variant Classification Criteria Version 2. Collection method: clinical testing. Allele origin: germline. Affected: yes. Observed: 1 variant allele.
Comment: TTN: BP4, BP7

GeneDx
Classification: Likely benign. Last evaluated: 2017-04-21. Review status: criteria provided, single submitter. Criteria: GeneDx Variant Classification (06012015). Collection method: clinical testing. Allele origin: germline. Affected: yes.
Comment: This variant is considered likely benign or benign based on one or more of the following criteria: it is a conservative change, it occurs at a poorly conserved position in the protein, it is predicted to be benign by multiple in silico algorithms, and/or has population frequency not consistent with disease.

NM_001267550.2(TTN):c.91533T>G (p.Ser30511=)

Genes: TTN-AS1 (TTN antisense RNA 1; plus strand), TTN (titin; minus strand). Cytogenetic location: 2q31.2.
Variant type: single nucleotide variant.
Coding change: c.91533T>G on transcript NM_001267550.2 (MANE Select); coding-DNA position 91533, T replaced by G.
Protein change: p.Ser30511=; no amino-acid change (serine 30511 retained).
Molecular consequence: synonymous variant.
Genome position (GRCh38, 1-based): chr2:178,550,998, A>C on the plus strand (T>G on the coding strand, the complement: TTN is on the minus strand). VCF-style: chr2-178550998-A-C. GRCh37 (hg19) VCF-style: chr2-179415725-A-C.
Other names: c.86610T>G, p.Ser28870= (NM_001256850.1); c.64338T>G, p.Ser21446= (NM_003319.4); c.83829T>G, p.Ser27943= (NM_133378.4); c.64713T>G, p.Ser21571= (NM_133432.3); c.64914T>G, p.Ser21638= (NM_133437.4).
Identifiers: ClinVar variation 509171 (VCV000509171.39), dbSNP rs772824909, ClinGen allele CA1987618.